The following is an entry in ClinVar:

ClinVar aggregate classification (germline): Uncertain significance (1 of 4 stars; one submission).

Submission:

GeneDx
Classification: Uncertain significance. Last evaluated: 2022-02-07. Review status: criteria provided, single submitter. Criteria: GeneDx Variant Classification Process June 2021. Collection method: clinical testing. Allele origin: germline. Affected: yes.
Comment: Not observed at significant frequency in large population cohorts (gnomAD); In silico analysis supports that this missense variant has a deleterious effect on protein structure/function; Has not been previously published as pathogenic or benign to our knowledge

NM_001385012.1(NBEA):c.6386T>G (p.Met2129Arg)

Gene: NBEA (neurobeachin; plus strand). Cytogenetic location: 13q13.3.
Variant type: single nucleotide variant.
Coding change: c.6386T>G on transcript NM_001385012.1 (MANE Select); coding-DNA position 6386, T replaced by G.
Protein change: p.Met2129Arg; replaces methionine 2129 with arginine.
Molecular consequence: missense variant.
Genome position (GRCh38, 1-based): chr13:35,452,173, T>G. VCF-style: chr13-35452173-T-G. GRCh37 (hg19) VCF-style: chr13-36026310-T-G.
Other names: c.6377T>G, p.Met2126Arg (NM_001379245.1); c.6386T>G, p.Met2129Arg (NM_015678.5); short protein forms M2126R, M2129R.
Identifiers: ClinVar variation 1700335 (VCV001700335.2), dbSNP rs1594685829, ClinGen allele CA387981952.